The following is an entry in ClinVar:

NM_005559.4(LAMA1):c.4024G>C (p.Val1342Leu)

Gene: LAMA1 (laminin subunit alpha 1; minus strand). Cytogenetic location: 18p11.31.
Variant type: single nucleotide variant.
Coding change: c.4024G>C on transcript NM_005559.4 (MANE Select); coding-DNA position 4024, G replaced by C.
Protein change: p.Val1342Leu; replaces valine 1342 with leucine.
Molecular consequence: missense variant.
Genome position (GRCh38, 1-based): chr18:7,008,586, C>G on the plus strand (G>C on the coding strand, the complement: LAMA1 is on the minus strand). VCF-style: chr18-7008586-C-G. GRCh37 (hg19) VCF-style: chr18-7008585-C-G.
Other names: short protein forms V1342L.
Identifiers: ClinVar variation 1699418 (VCV001699418.3), dbSNP rs2144110328, ClinGen allele CA401847763.

ClinVar aggregate classification (germline): Uncertain significance (1 of 4 stars; one submission).

Conditions:
Ataxia - intellectual disability - oculomotor apraxia - cerebellar cysts syndrome. Also called: Poretti-Boltshauser syndrome. Identifiers: Orphanet 370022, MedGen C4014821, MONDO:0014419, OMIM 615960.

Submission:

Victorian Clinical Genetics Services, Murdoch Childrens Research Institute
Classification: Uncertain significance for Ataxia - intellectual disability - oculomotor apraxia - cerebellar cysts syndrome. Last evaluated: 2022-02-02. Review status: criteria provided, single submitter. Criteria: ACMG Guidelines, 2015. Collection method: clinical testing. Allele origin: germline. Inheritance: Autosomal recessive inheritance.
Comment: Based on the classification scheme VCGS_Germline_v1.3.4, this variant is classified as VUS-3B. Following criteria are met: 0102 - Loss of function is a known mechanism of disease in this gene and is associated with Poretti-Boltshauser syndrome (MIM#615960). (I) 0106 - This gene is associated with autosomal recessive disease. (I) 0200 - Variant is predicted to result in a missense amino acid change from valine to leucine. (I) 0251 - This variant is heterozygous. (I) 0301 - Variant is absent from gnomAD (both v2 and v3). (SP) 0309 - An alternative amino acid change at the same position has been observed in gnomAD (v2) (4 heterozygotes, 0 homozygotes). (I) 0502 - Missense variant with conflicting in silico predictions and uninformative conservation. (I) 0600 - Variant is located in the annotated laminin IV domain (NCBI, UniProt). (I) 0705 - No comparable missense variants have previous evidence for pathogenicity. (I) 0807 - This variant has no previous evidence of pathogenicity. (I) 0905 - No published segregation evidence has been identified for this variant. (I) 1007 - No published functional evidence has been identified for this variant. (I) 1208 - Inheritance information for this variant is not currently available in this individual. (I) Legend: (SP) - Supporting pathogenic, (I) - Information, (SB) - Supporting benign